The following is an entry in ClinVar:

NM_012309.5(SHANK2):c.1341C>T (p.Pro447=)

Gene: SHANK2 (SH3 and multiple ankyrin repeat domains 2; minus strand). Cytogenetic location: 11q13.4.
Variant type: single nucleotide variant.
Coding change: c.1341C>T on transcript NM_012309.5 (MANE Select); coding-DNA position 1341, C replaced by T.
Protein change: p.Pro447=; no amino-acid change (proline 447 retained).
Molecular consequence: synonymous variant.
Genome position (GRCh38, 1-based): chr11:70,820,516, G>A on the plus strand (C>T on the coding strand, the complement: SHANK2 is on the minus strand). VCF-style: chr11-70820516-G-A. GRCh37 (hg19) VCF-style: chr11-70666621-G-A.
Other names: c.204C>T, p.Pro68= (NM_001379226.1).
Identifiers: ClinVar variation 2642094 (VCV002642094.24), dbSNP rs202196892, ClinGen allele CA6161841.
Genomic context (GRCh38, chr11:70,820,516, plus strand): 5'-GTAGCTCCCAATGGTCTTCGCGGCCCCCTCGGGCTTGCTGGGCATCTGCTGCAGCAGCTG[G>A]GGTGACAGGCTGCGGTGCGAGGTGGCCGTGGAGCAGACGGCCCAGTCGGGAGCGCTGGCA-3'
Protein context (NP_036441.2, residues 437-457): STATSHRSLS[Pro447=]QLLQQMPSKP

ClinVar aggregate classification (germline): Likely benign (1 of 4 stars; one submission).

Allele frequency attached by ClinVar (database versions not stated): 1000 Genomes Project 0.00060; 1000 Genomes Project 30x 0.00062.
gnomAD v4.1: 1,175 of 717,126 alleles (0.16%); highest among the groups gnomAD compares: Middle Eastern, 1.8%; 7 homozygotes.

Submission:

CeGaT Center for Human Genetics Tuebingen
Classification: Likely benign. Last evaluated: 2026-09-01. Review status: criteria provided, single submitter. Criteria: CeGaT Center For Human Genetics Tuebingen Variant Classification Criteria Version 2. Collection method: clinical testing. Allele origin: germline. Affected: yes. Observed: 22 variant alleles.
Comment: SHANK2: BP4, BP7